The following is an entry in ClinVar:

NM_015909.4(NBAS):c.5416G>A (p.Glu1806Lys)

Gene: NBAS (NBAS subunit of NRZ tethering complex; minus strand). Cytogenetic location: 2p24.3.
Variant type: single nucleotide variant.
Coding change: c.5416G>A on transcript NM_015909.4 (MANE Select); coding-DNA position 5416, G replaced by A.
Protein change: p.Glu1806Lys; replaces glutamic acid 1806 with lysine.
Molecular consequence: missense variant. On other transcripts: non-coding transcript variant (1).
Genome position (GRCh38, 1-based): chr2:15,275,792, C>T on the plus strand (G>A on the coding strand, the complement: NBAS is on the minus strand). VCF-style: chr2-15275792-C-T. GRCh37 (hg19) VCF-style: chr2-15415916-C-T.
Other names: short protein forms E1806K.
Identifiers: ClinVar variation 2108810 (VCV002108810.4), dbSNP rs772499559, ClinGen allele CA1535295.

ClinVar aggregate classification (germline): Uncertain significance (1 of 4 stars; one submission).

Allele frequency attached by ClinVar (database versions not stated): gnomAD exomes below 0.00001; ExAC 0.00001.
gnomAD v4.1: 2 of 1,613,720 alleles (0.00012%); highest among the groups gnomAD compares: Non-Finnish European, 0.00017%; no homozygotes.

Submission:

Labcorp Genetics (formerly Invitae), Labcorp
Classification: Uncertain significance. Last evaluated: 2022-06-14. Review status: criteria provided, single submitter. Criteria: Invitae Variant Classification Sherloc (09022015). Collection method: clinical testing. Allele origin: germline.
Comment: In summary, the available evidence is currently insufficient to determine the role of this variant in disease. Therefore, it has been classified as a Variant of Uncertain Significance. Algorithms developed to predict the effect of missense changes on protein structure and function output the following: SIFT: "Deleterious"; PolyPhen-2: "Benign"; Align-GVGD: "Class C55". The lysine amino acid residue is found in multiple mammalian species, which suggests that this missense change does not adversely affect protein function. This variant has not been reported in the literature in individuals affected with NBAS-related conditions. This variant is present in population databases (rs772499559, gnomAD 0.0009%). This sequence change replaces glutamic acid, which is acidic and polar, with lysine, which is basic and polar, at codon 1806 of the NBAS protein (p.Glu1806Lys).